The following is an entry in ClinVar:

ClinVar aggregate classification (germline): Uncertain significance. Review status: criteria provided, multiple submitters, no conflicts (2 of 4 stars). 2 submissions from 2 submitters: Uncertain significance (2). Last evaluated 2025-10-08.

Conditions:
Familial cancer of breast. Also called: BREAST CANCER, FAMILIAL; Hereditary breast cancer; hereditary breast carcinoma. Identifiers: Orphanet 227535, MedGen C0346153, MONDO:0016419, OMIM 114480. Disease mechanism: loss of function.
Ataxia-telangiectasia syndrome (AT). Also called: LOUIS-BAR SYNDROME; Ataxia-telangiectasia; Cerebello-oculocutaneous telangiectasia; Immunodeficiency with ataxia telangiectasia; ATAXIA-TELANGIECTASIA, COMPLEMENTATION GROUP A; ATAXIA-TELANGIECTASIA, FRESNO VARIANT. Identifiers: Orphanet 100, MedGen C0004135, MONDO:0008840, OMIM 208900.

Submissions (2):

Labcorp Genetics (formerly Invitae), Labcorp
Classification: Uncertain significance for Ataxia-telangiectasia syndrome. Last evaluated: 2025-10-08. Review status: criteria provided, single submitter. Criteria: Invitae Variant Classification Sherloc (09022015). Collection method: clinical testing. Allele origin: germline.
Comment: This sequence change falls in intron 12 of the ATM gene. It does not directly change the encoded amino acid sequence of the ATM protein. This variant is not present in population databases (gnomAD no frequency). This variant has not been reported in the literature in individuals affected with ATM-related conditions. ClinVar contains an entry for this variant (Variation ID: 1491161). Studies have shown that this variant is associated with inconclusive levels of altered splicing (internal data). In summary, the available evidence is currently insufficient to determine the role of this variant in disease. Therefore, it has been classified as a Variant of Uncertain Significance.

Baylor Genetics
Classification: Uncertain significance for Familial cancer of breast. Last evaluated: 2023-10-17. Review status: criteria provided, single submitter. Criteria: ACMG Guidelines, 2015. Collection method: clinical testing. Allele origin: unknown.

NM_000051.4(ATM):c.1899-17A>G

Gene: ATM (ATM serine/threonine kinase; plus strand). Cytogenetic location: 11q22.3.
Variant type: single nucleotide variant.
Coding change: c.1899-17A>G on transcript NM_000051.4 (MANE Select); 17 bases into the intron before coding-DNA position 1899, A replaced by G.
Molecular consequence: intron variant.
Genome position (GRCh38, 1-based): chr11:108,253,797, A>G. VCF-style: chr11-108253797-A-G. GRCh37 (hg19) VCF-style: chr11-108124524-A-G.
Other names: c.1899-17A>G (NM_001351834.2).
Identifiers: ClinVar variation 1491161 (VCV001491161.9), dbSNP rs2135365023, ClinGen allele CA2573146748.
Genomic context (GRCh38, chr11:108,253,797, plus strand): 5'-TGTAATATATTGCTAATACATATAAGGCAAAGCATTAGGTACTTGGTTTATATATTAAAG[A>G]TCTTACTTTCTTGAAGTGAACACCACCAAAAAGATAAAGAAGAACTTTCATTCTCAGAAG-3'